The following is an entry in ClinVar:

ClinVar aggregate classification (germline): Likely benign. Review status: criteria provided, multiple submitters, no conflicts (2 of 4 stars). 2 submissions from 2 submitters: Likely benign (2). Last evaluated 2025-10-21.

Conditions:
GALT-related disorder. Also called: GALT-related condition.
Deficiency of UDPglucose-hexose-1-phosphate uridylyltransferase. Also called: Transferase Deficiency Galactosemia; GALT deficiency; Galactosemia, classic; GALACTOSE-1-PHOSPHATE URIDYLYLTRANSFERASE DEFICIENCY; GALACTOSEMIA I. Identifiers: Orphanet 352, Orphanet 79239, MedGen C0268151, MONDO:0009258, OMIM 230400.

Allele frequency attached by ClinVar (database versions not stated): gnomAD exomes below 0.00001 and 0.00001; TOPMed 0.00001; ExAC 0.00002; gnomAD 0.00004; ESP Exome Variant Server 0.00008.

Submissions (2):

PreventionGenetics, part of Exact Sciences
Classification: Likely benign for GALT-related condition. Last evaluated: 2025-10-21. Review status: criteria provided, single submitter. Criteria: ACMG Guidelines, 2015. Collection method: clinical testing. Allele origin: germline.
Comment: This variant is classified as likely benign based on ACMG/AMP sequence variant interpretation guidelines (Richards et al. 2015 PMID: 25741868, with internal and published modifications).

Labcorp Genetics (formerly Invitae), Labcorp
Classification: Likely benign for Deficiency of UDPglucose-hexose-1-phosphate uridylyltransferase. Last evaluated: 2023-09-08. Review status: criteria provided, single submitter. Criteria: Invitae Variant Classification Sherloc (09022015). Collection method: clinical testing. Allele origin: germline.

NM_000155.4(GALT):c.1059+8C>T

Gene: GALT (galactose-1-phosphate uridylyltransferase; plus strand). Cytogenetic location: 9p13.3.
Variant type: single nucleotide variant.
Coding change: c.1059+8C>T on transcript NM_000155.4 (MANE Select); 8 bases into the intron after coding-DNA position 1059, C replaced by T.
Molecular consequence: intron variant.
Genome position (GRCh38, 1-based): chr9:34,649,572, C>T. VCF-style: chr9-34649572-C-T. GRCh37 (hg19) VCF-style: chr9-34649569-C-T.
Other names: c.1059+8C>T (NM_000155.3); c.732+8C>T (NM_001258332.2).
Identifiers: ClinVar variation 1143639 (VCV001143639.10), dbSNP rs373165440, ClinGen allele CA5036279.